The following is an entry in ClinVar:

NM_003361.4(UMOD):c.1093C>T (p.Arg365Trp)

Gene: UMOD (uromodulin; minus strand). Cytogenetic location: 16p12.3.
Variant type: single nucleotide variant.
Coding change: c.1093C>T on transcript NM_003361.4 (MANE Select); coding-DNA position 1093, C replaced by T.
Protein change: p.Arg365Trp; replaces arginine 365 with tryptophan.
Molecular consequence: missense variant. On other transcripts: non-coding transcript variant (1).
Genome position (GRCh38, 1-based): chr16:20,346,215, G>A on the plus strand (C>T on the coding strand, the complement: UMOD is on the minus strand). VCF-style: chr16-20346215-G-A. GRCh37 (hg19) VCF-style: chr16-20357537-G-A.
Other names: c.1093C>T (NM_003361.2); c.1093C>T, p.Arg365Trp (NM_001008389.3, NM_001378232.1, NM_001378233.1 and 3 more transcripts); c.1192C>T, p.Arg398Trp (NM_001278614.2); short protein forms R365W, R398W.
Identifiers: ClinVar variation 2671792 (VCV002671792.4), dbSNP rs775391621, ClinGen allele CA7939301.

ClinVar aggregate classification (germline): Uncertain significance. Review status: criteria provided, multiple submitters, no conflicts (2 of 4 stars). 3 submissions from 3 submitters: Uncertain significance (3). Last evaluated 2024-02-05.

Conditions:
Inborn genetic diseases. Identifiers: MedGen C0950123, MeSH D030342.
Familial juvenile hyperuricemic nephropathy type 1 (ADTKD1). Also called: Glomerulocystic kidney disease with hyperuricemia and isosthenuria; Medullary cystic kidney disease 2; Autosomal Dominant Tubulointerstitial Kidney Disease – UMOD; UMOD-Associated Kidney Disease; Uromodulin-associated kidney disease. Identifiers: Orphanet 209886, Orphanet 34149, Orphanet 88950, MedGen C4551496, MONDO:0008073, OMIM 162000.

Allele frequency attached by ClinVar (database versions not stated): gnomAD 0.00001; gnomAD exomes 0.00001; ExAC 0.00002; TOPMed 0.00002.
gnomAD v4.1: 21 of 1,614,116 alleles (0.0013%); highest among the groups gnomAD compares: East Asian, 0.0022%; 1 homozygote.

Submissions (3):

Labcorp Genetics (formerly Invitae), Labcorp
Classification: Uncertain significance. Last evaluated: 2024-02-05. Review status: criteria provided, single submitter. Criteria: Invitae Variant Classification Sherloc (09022015). Collection method: clinical testing. Allele origin: germline.
Comment: This sequence change replaces arginine, which is basic and polar, with tryptophan, which is neutral and slightly polar, at codon 365 of the UMOD protein (p.Arg365Trp). This variant is present in population databases (rs775391621, gnomAD 0.006%). This variant has not been reported in the literature in individuals affected with UMOD-related conditions. ClinVar contains an entry for this variant (Variation ID: 2671792). Advanced modeling of protein sequence and biophysical properties (such as structural, functional, and spatial information, amino acid conservation, physicochemical variation, residue mobility, and thermodynamic stability) performed at Invitae indicates that this missense variant is not expected to disrupt UMOD protein function with a negative predictive value of 95%. In summary, the available evidence is currently insufficient to determine the role of this variant in disease. Therefore, it has been classified as a Variant of Uncertain Significance.

Ambry Genetics
Classification: Uncertain significance for Inborn genetic diseases. Last evaluated: 2024-01-30. Review status: criteria provided, single submitter. Criteria: Ambry Variant Classification Scheme 2023. Collection method: clinical testing. Allele origin: germline.

Neuberg Centre For Genomic Medicine, NCGM
Classification: Uncertain significance for Familial juvenile hyperuricemic nephropathy type 1. Last evaluated: 2023-03-01. Review status: criteria provided, single submitter. Criteria: ACMG Guidelines, 2015. Collection method: clinical testing. Allele origin: germline. Inheritance: Autosomal dominant inheritance. Affected: yes.
Comment: The missense c.1093C>T (p.Arg365Trp) variant in UMOD gene has not been reported previously as a pathogenic variant nor as a benign variant, to our knowledge. The p.Arg365Trp variant has allele frequency0.002% in gnomAD Exomes and is novel (not in any individuals) in 1000 Genomes. This variant has not been reported to the ClinVar database. The amino acid change p.Arg365Trp in UMOD is predicted as conserved by GERP++ and PhyloP across 100 vertebrates. The amino acid Arg at position 365 is changed to a Trp changing protein sequence and it might alter its composition and physico-chemical properties. For these reasons, this variant has been classified as Variant of Uncertain Significance (VUS).